The following is an entry in ClinVar:

NM_001184.4(ATR):c.6719G>T (p.Ser2240Ile)

Gene: ATR (ATR serine/threonine kinase; minus strand). Cytogenetic location: 3q23.
Variant type: single nucleotide variant.
Coding change: c.6719G>T on transcript NM_001184.4 (MANE Select); coding-DNA position 6719, G replaced by T.
Protein change: p.Ser2240Ile; replaces serine 2240 with isoleucine.
Molecular consequence: missense variant.
Genome position (GRCh38, 1-based): chr3:142,466,502, C>A on the plus strand (G>T on the coding strand, the complement: ATR is on the minus strand). VCF-style: chr3-142466502-C-A. GRCh37 (hg19) VCF-style: chr3-142185344-C-A.
Other names: c.6527G>T, p.Ser2176Ile (NM_001354579.2); short protein forms S2240I, S2176I.
Identifiers: ClinVar variation 3462526 (VCV003462526.1).

ClinVar aggregate classification (germline): Uncertain significance (1 of 4 stars; one submission).

Conditions:
Inborn genetic diseases. Identifiers: MedGen C0950123, MeSH D030342.

Submission:

Ambry Genetics
Classification: Uncertain significance for Inborn genetic diseases. Last evaluated: 2024-08-12. Review status: criteria provided, single submitter. Criteria: Ambry Variant Classification Scheme 2023. Collection method: clinical testing. Allele origin: germline.
Comment: The p.S2240I variant (also known as c.6719G>T), located in coding exon 40 of the ATR gene, results from a G to T substitution at nucleotide position 6719. The serine at codon 2240 is replaced by isoleucine, an amino acid with dissimilar properties. This amino acid position is conserved. In addition, this alteration is predicted to be tolerated by in silico analysis. Based on the available evidence, the clinical significance of this variant remains unclear.